The following is an entry in ClinVar:

ClinVar aggregate classification (germline): Pathogenic (1 of 4 stars; one submission).

Conditions:
Usher syndrome type 1D (USH1D). Also called: USHER SYNDROME, TYPE ID. Identifiers: Orphanet 231169, Orphanet 886, MedGen C1832845, MONDO:0010984, OMIM 601067.

Submission:

INGEBI, INGEBI / CONICET
Classification: Pathogenic for Usher syndrome type 1D. Last evaluated: 2021-07-15. Review status: criteria provided, single submitter. Criteria: ClinGen HL ACMG Specifications v1. Collection method: clinical testing. Allele origin: germline. Inheritance: Autosomal recessive inheritance. Affected: yes. Observed: 1 variant allele, 1 compound heterozygote.
Comment: Based on ACMG/AMP guidelines and Hearing Loss Expert Panel specific criteria.The c.337del [p.(Val113*)] is absent from population databases (PM2). This variant in CDH23 gene is predicted to cause a premature stop codon in biologically-relevant-exon 6/68 that leads to a truncated or absent protein in a gene in which loss-of-function is an established mechanism, NMD is predcited to occur, (PVS1). c.337del was identified in trans with a pathogenic variant (PM3) in patients who displayed features of postlingual progressive bilateral moderate HL and ophthalmic findings (Retinopathy) which are consistent with Usher syndrome (PP4). Considering all the information together: PM2, PVS1, PM3 and PP4 the variant c.337del in CDH23 gene is classified as Pathogenic for autosomal recessive Usher syndrome.

NM_022124.5(CDH23):c.337del

Genes: CDH23 (cadherin related 23; plus strand), CDH23-AS1 (CDH23 antisense RNA 1; minus strand). Cytogenetic location: 10q22.1.
Variant type: Deletion.
Coding change: c.337del on transcript NM_022124.5; coding-DNA position 337, one base deleted (G; older notation c.337delG).
Genome position (GRCh38, 1-based): chr10:71,511,120, G deleted; the last of 2 consecutive G bases (chr10:71,511,119-71,511,120); deleting either gives the same sequence. VCF-style (leftmost placement, unchanged base first): chr10-71511118-AG-A. GRCh37 (hg19) VCF-style: chr10-73270875-AG-A.
Identifiers: ClinVar variation 1185586 (VCV001185586.4), dbSNP rs2132200416, ClinGen allele CA2499220321.